The following is an entry in ClinVar:

ClinVar aggregate classification (germline): Uncertain significance (1 of 4 stars; one submission).

Conditions:
Primary ciliary dyskinesia. Also called: Ciliary dyskinesia. Identifiers: Orphanet 244, MedGen C0008780, MONDO:0016575, HP:0012265.

gnomAD v4.1: 1 of 1,612,408 alleles (0.000062%); no homozygotes.

Submission:

Labcorp Genetics (formerly Invitae), Labcorp
Classification: Uncertain significance for Primary ciliary dyskinesia. Last evaluated: 2022-08-21. Review status: criteria provided, single submitter. Criteria: Invitae Variant Classification Sherloc (09022015). Collection method: clinical testing. Allele origin: germline.
Comment: In summary, the available evidence is currently insufficient to determine the role of this variant in disease. Therefore, it has been classified as a Variant of Uncertain Significance. Algorithms developed to predict the effect of sequence changes on RNA splicing suggest that this variant may create or strengthen a splice site. Advanced modeling of protein sequence and biophysical properties (such as structural, functional, and spatial information, amino acid conservation, physicochemical variation, residue mobility, and thermodynamic stability) performed at Invitae indicates that this missense variant is not expected to disrupt DNAH11 protein function. This variant has not been reported in the literature in individuals affected with DNAH11-related conditions. This variant is not present in population databases (gnomAD no frequency). This sequence change replaces lysine, which is basic and polar, with arginine, which is basic and polar, at codon 1510 of the DNAH11 protein (p.Lys1510Arg).

NM_001277115.2(DNAH11):c.4529A>G (p.Lys1510Arg)

Gene: DNAH11 (dynein axonemal heavy chain 11; plus strand). Cytogenetic location: 7p15.3.
Variant type: single nucleotide variant.
Coding change: c.4529A>G on transcript NM_001277115.2 (MANE Select); coding-DNA position 4529, A replaced by G.
Protein change: p.Lys1510Arg; replaces lysine 1510 with arginine.
Molecular consequence: missense variant.
Genome position (GRCh38, 1-based): chr7:21,635,899, A>G. VCF-style: chr7-21635899-A-G. GRCh37 (hg19) VCF-style: chr7-21675517-A-G.
Other names: c.4544A>G, p.Lys1515Arg (NM_003777.3); short protein forms K1510R, K1515R.
Identifiers: ClinVar variation 1717403 (VCV001717403.6), dbSNP rs753342468, ClinGen allele CA366933174.